The following is an entry in ClinVar:

NM_005245.4(FAT1):c.2879G>C (p.Gly960Ala)

Gene: FAT1 (FAT atypical cadherin 1; minus strand). Cytogenetic location: 4q35.2.
Variant type: single nucleotide variant.
Coding change: c.2879G>C on transcript NM_005245.4 (MANE Select); coding-DNA position 2879, G replaced by C.
Protein change: p.Gly960Ala; replaces glycine 960 with alanine.
Molecular consequence: missense variant.
Genome position (GRCh38, 1-based): chr4:186,706,949, C>G on the plus strand (G>C on the coding strand, the complement: FAT1 is on the minus strand). VCF-style: chr4-186706949-C-G. GRCh37 (hg19) VCF-style: chr4-187628103-C-G.
Other names: short protein forms G960A.
Identifiers: ClinVar variation 3093056 (VCV003093056.3), dbSNP rs368165474, ClinGen allele CA3167154.
Genomic context (GRCh38, chr4:186,706,949, plus strand): 5'-CTGAGTTTATCCACATCGAAGTTTCCTTCTCCGTGGTCCAGAAGGCTGTATCTCACCTGA[C>G]CAGACTGACCTAAATCAGGATCGTGGGCTTCTAACCACATGATGACGGTTCCTTCTGGAA-3'
Protein context (NP_005236.2, residues 950-970): EAHDPDLGQS[Gly960Ala]QVRYSLLDHG

ClinVar aggregate classification (germline): Uncertain significance. Review status: criteria provided, multiple submitters, no conflicts (2 of 4 stars). 2 submissions from 2 submitters: Uncertain significance (2). Last evaluated 2026-08-27.

Conditions:
Inborn genetic diseases. Identifiers: MedGen C0950123, MeSH D030342.

Allele frequency attached by ClinVar (database versions not stated): ExAC 0.00003; 1000 Genomes Project 0.00040; gnomAD exomes 0.00001; gnomAD 0.00016; 1000 Genomes Project 30x 0.00031; ESP Exome Variant Server 0.00008; TOPMed 0.00021.
gnomAD v4.1: 48 of 1,613,998 alleles (0.003%); highest among the groups gnomAD compares: African/African-American, 0.051%; no homozygotes.

Submissions (2):

Ambry Genetics
Classification: Uncertain significance for Inborn genetic diseases. Last evaluated: 2026-08-27. Review status: criteria provided, single submitter. Criteria: Ambry Variant Classification Scheme 2023. Collection method: clinical testing. Allele origin: germline.

GeneDx
Classification: Uncertain significance. Last evaluated: 2026-02-23. Review status: criteria provided, single submitter. Criteria: GeneDx Variant Classification Process June 2021. Collection method: clinical testing. Allele origin: germline.
Comment: In silico analysis supports that this missense variant has a deleterious effect on protein structure/function; Has not been previously published as pathogenic or benign to our knowledge